The following is an entry in ClinVar:

NM_000719.7(CACNA1C):c.304C>T (p.Arg102Ter)

Gene: CACNA1C (calcium voltage-gated channel subunit alpha1 C; plus strand). Cytogenetic location: 12p13.33.
Variant type: single nucleotide variant.
Coding change: c.304C>T on transcript NM_000719.7 (MANE Select); coding-DNA position 304, C replaced by T.
Protein change: p.Arg102Ter; replaces arginine 102 with a stop codon.
Molecular consequence: nonsense.
Genome position (GRCh38, 1-based): chr12:2,115,478, C>T. VCF-style: chr12-2115478-C-T. GRCh37 (hg19) VCF-style: chr12-2224644-C-T.
Other names: c.304C>T, p.Arg102Ter (NM_001129827.2, NM_001129829.2, NM_001129830.3 and 19 more transcripts); short protein forms R102*.
Identifiers: ClinVar variation 2582171 (VCV002582171.8), dbSNP rs1555193345, ClinGen allele CA383653356.

ClinVar aggregate classification (germline): Conflicting classifications of pathogenicity. Review status: criteria provided, conflicting classifications (1 of 4 stars). 5 submissions from 5 submitters: Pathogenic (3); Likely pathogenic (1); Uncertain significance (1). Last evaluated 2026-05-11.

Conditions:
Neurodevelopmental disorder with hypotonia, language delay, and skeletal defects with or without seizures (NEDHLSS). Identifiers: MedGen C5774213, MONDO:0859286, OMIM 620029.
CACNA1C-related disorder. Also called: CACNA1C-related condition; CACNA1C-related disorders. Identifiers: MedGen CN381092, MONDO:0700321.
Long QT syndrome (LQTS). Identifiers: MedGen C0023976, MeSH D008133, MONDO:0002442. Disease mechanism: loss of function. Inheritance: Various modes of inheritance.
Cardiovascular phenotype. Identifiers: MedGen CN230736.

Submissions (5):

Ambry Genetics
Classification: Pathogenic for Cardiovascular phenotype. Last evaluated: 2026-05-11. Review status: criteria provided, single submitter. Criteria: Ambry Variant Classification Scheme 2023. Collection method: clinical testing. Allele origin: germline.
Comment: The c.304C>T (p.R102*) alteration, located in exon 2 (coding exon 2) of the CACNA1C gene, consists of a C to T substitution at nucleotide position 304. This changes the amino acid from a arginine (R) to a stop codon at amino acid position 102. This variant is expected to result in loss of function by premature protein truncation or nonsense-mediated mRNA decay. for autosomal dominant CACNA1C-related neurodevelopmental disorder; however, it is unlikely to be causative of CACNA1C-related long QT syndrome / Timothy syndrome. This variant was not reported in population-based cohorts in the Genome Aggregation Database (gnomAD). Based on the available evidence, this alteration is classified as pathogenic.

GeneDx
Classification: Pathogenic. Last evaluated: 2025-11-07. Review status: criteria provided, single submitter. Criteria: GeneDx Variant Classification Process June 2021. Collection method: clinical testing. Allele origin: germline. Affected: yes.
Comment: Nonsense variant predicted to result in protein truncation or nonsense mediated decay in a gene for which loss of function is a known mechanism of disease; Not observed at significant frequency in large population cohorts (gnomAD); Has not been previously published as pathogenic or benign to our knowledge

Blueprint Genetics
Classification: Likely pathogenic for CACNA1C-related disorders. Last evaluated: 2024-10-23. Review status: criteria provided, single submitter. Criteria: ACMG Guidelines, 2015. Collection method: clinical testing. Allele origin: germline. Affected: yes. Observed: 2 variant alleles.

Clinical Genomics Laboratory, Washington University in St. Louis
Classification: Pathogenic for Neurodevelopmental disorder with hypotonia, language delay, and skeletal defects with or without seizures. Last evaluated: 2024-01-03. Review status: criteria provided, single submitter. Criteria: ACMG Guidelines, 2015. Collection method: clinical testing. Allele origin: germline. Affected: yes.
Comment: The CACNA1C c.304C>T (p.Arg102Ter) variant, to our knowledge, has not been reported in the medical literature but has been reported in the ClinVar database as a germline pathogenic variant by one submitter. This variant is absent from the general population (gnomAD v.2.1.1), indicating it is not a common variant. This variant causes a premature termination codon, which is predicted to lead to nonsense mediated decay. Additionally, other variants that introduce a premature termination codon in this region have been described in affected individuals (Rodan LH et al., PMID: 34163037). Based on available information and the ACMG/AMP guidelines for variant interpretation (Richards S et al., PMID: 25741868), this variant is classified as pathogenic.

Labcorp Genetics (formerly Invitae), Labcorp
Classification: Uncertain significance for Long QT syndrome. Last evaluated: 2022-11-09. Review status: criteria provided, single submitter. Criteria: Invitae Variant Classification Sherloc (09022015). Collection method: clinical testing. Allele origin: germline.
Comment: This sequence change creates a premature translational stop signal (p.Arg102*) in the CACNA1C gene. It is expected to result in an absent or disrupted protein product. However, the current clinical and genetic evidence is not sufficient to establish whether loss-of-function variants in CACNA1C cause disease. This variant is not present in population databases (gnomAD no frequency). This variant has not been reported in the literature in individuals affected with CACNA1C-related conditions. In summary, the available evidence is currently insufficient to determine the role of this variant in disease. Therefore, it has been classified as a Variant of Uncertain Significance.